The following is an entry in ClinVar:

NM_000228.3(LAMB3):c.943+3A>G

Gene: LAMB3 (laminin subunit beta 3; minus strand). Cytogenetic location: 1q32.2.
Variant type: single nucleotide variant.
Coding change: c.943+3A>G on transcript NM_000228.3 (MANE Select); 3 bases into the intron after coding-DNA position 943, A replaced by G.
Molecular consequence: intron variant.
Genome position (GRCh38, 1-based): chr1:209,630,612, T>C on the plus strand (A>G on the coding strand, the complement: LAMB3 is on the minus strand). VCF-style: chr1-209630612-T-C. GRCh37 (hg19) VCF-style: chr1-209803957-T-C.
Other names: c.943+3A>G (NM_001127641.1, NM_001017402.2).
Identifiers: ClinVar variation 2791966 (VCV002791966.3), dbSNP rs1268291503, ClinGen allele CA528652860.

ClinVar aggregate classification (germline): Uncertain significance (1 of 4 stars; one submission).

Allele frequency attached by ClinVar (database versions not stated): gnomAD exomes below 0.00001.
gnomAD v4.1: 2 of 1,614,114 alleles (0.00012%); highest among the groups gnomAD compares: Admixed American, 0.0017%; no homozygotes.

Submission:

Labcorp Genetics (formerly Invitae), Labcorp
Classification: Uncertain significance. Last evaluated: 2023-06-19. Review status: criteria provided, single submitter. Criteria: Invitae Variant Classification Sherloc (09022015). Collection method: clinical testing. Allele origin: germline.
Comment: This sequence change falls in intron 9 of the LAMB3 gene. It does not directly change the encoded amino acid sequence of the LAMB3 protein. It affects a nucleotide within the consensus splice site. This variant is present in population databases (no rsID available, gnomAD 0.003%). This variant has been observed in individual(s) with autosomal recessive junctional epidermolysis bullosa (Invitae). Variants that disrupt the consensus splice site are a relatively common cause of aberrant splicing (PMID: 17576681, 9536098). Algorithms developed to predict the effect of sequence changes on RNA splicing suggest that this variant may disrupt the consensus splice site. In summary, the available evidence is currently insufficient to determine the role of this variant in disease. Therefore, it has been classified as a Variant of Uncertain Significance.

Literature cited by the submitters: PubMed 17576681; PubMed 9536098.